The following is an entry in ClinVar:

ClinVar aggregate classification (germline): Uncertain significance (1 of 4 stars; one submission).

Allele frequency attached by ClinVar (database versions not stated): ExAC 0.00005; 1000 Genomes Project 30x 0.00016; 1000 Genomes Project 0.00020.
gnomAD v4.1: 5 of 1,552,622 alleles (0.00032%); highest among the groups gnomAD compares: African/African-American, 0.0068%; no homozygotes.

Submission:

Labcorp Genetics (formerly Invitae), Labcorp
Classification: Uncertain significance. Last evaluated: 2024-02-17. Review status: criteria provided, single submitter. Criteria: Invitae Variant Classification Sherloc (09022015). Collection method: clinical testing. Allele origin: germline.
Comment: This sequence change replaces glutamine, which is neutral and polar, with arginine, which is basic and polar, at codon 598 of the COL9A3 protein (p.Gln598Arg). The frequency data for this variant in the population databases is considered unreliable, as metrics indicate poor data quality at this position in the gnomAD database. This variant has not been reported in the literature in individuals affected with COL9A3-related conditions. ClinVar contains an entry for this variant (Variation ID: 1484330). Advanced modeling of protein sequence and biophysical properties (such as structural, functional, and spatial information, amino acid conservation, physicochemical variation, residue mobility, and thermodynamic stability) performed at Invitae indicates that this missense variant is not expected to disrupt COL9A3 protein function with a negative predictive value of 95%. In summary, the available evidence is currently insufficient to determine the role of this variant in disease. Therefore, it has been classified as a Variant of Uncertain Significance.

NM_001853.4(COL9A3):c.1793A>G (p.Gln598Arg)

Gene: COL9A3 (collagen type IX alpha 3 chain; plus strand). Cytogenetic location: 20q13.33.
Variant type: single nucleotide variant.
Coding change: c.1793A>G on transcript NM_001853.4 (MANE Select); coding-DNA position 1793, A replaced by G.
Protein change: p.Gln598Arg; replaces glutamine 598 with arginine.
Molecular consequence: missense variant.
Genome position (GRCh38, 1-based): chr20:62,838,690, A>G. VCF-style: chr20-62838690-A-G. GRCh37 (hg19) VCF-style: chr20-61470042-A-G.
Other names: short protein forms Q598R.
Identifiers: ClinVar variation 1484330 (VCV001484330.6), dbSNP rs201009783, ClinGen allele CA9950211.